The following is an entry in ClinVar:

ClinVar aggregate classification (germline): Uncertain significance (1 of 4 stars; one submission).

Conditions:
RASopathy. Also called: Noonan spectrum disorder; rasopathies. Identifiers: Orphanet 536391, MedGen C5555857, MONDO:0021060.

Submission:

Labcorp Genetics (formerly Invitae), Labcorp
Classification: Uncertain significance for RASopathy. Last evaluated: 2019-05-08. Review status: criteria provided, single submitter. Criteria: Invitae Variant Classification Sherloc (09022015). Collection method: clinical testing. Allele origin: germline.
Comment: This sequence change replaces methionine with leucine at codon 412 of the RAF1 protein (p.Met412Leu). The methionine residue is moderately conserved and there is a small physicochemical difference between methionine and leucine. This variant is not present in population databases (ExAC no frequency). This variant has not been reported in the literature in individuals with RAF1-related conditions. Algorithms developed to predict the effect of missense changes on protein structure and function (SIFT, PolyPhen-2, Align-GVGD) all suggest that this variant is likely to be tolerated, but these predictions have not been confirmed by published functional studies and their clinical significance is uncertain. In summary, the available evidence is currently insufficient to determine the role of this variant in disease. Therefore, it has been classified as a Variant of Uncertain Significance.

NM_002880.4(RAF1):c.1234A>T (p.Met412Leu)

Gene: RAF1 (Raf-1 proto-oncogene, serine/threonine kinase; minus strand). Cytogenetic location: 3p25.2.
Variant type: single nucleotide variant.
Coding change: c.1234A>T on transcript NM_002880.4 (MANE Select); coding-DNA position 1234, A replaced by T.
Protein change: p.Met412Leu; replaces methionine 412 with leucine.
Molecular consequence: missense variant. On other transcripts: non-coding transcript variant (3).
Genome position (GRCh38, 1-based): chr3:12,590,934, T>A on the plus strand (A>T on the coding strand, the complement: RAF1 is on the minus strand). VCF-style: chr3-12590934-T-A. GRCh37 (hg19) VCF-style: chr3-12632433-T-A.
Other names: c.1294A>T, p.Met432Leu (NM_001354689.3); c.1234A>T, p.Met412Leu (NM_001354690.3); c.991A>T, p.Met331Leu (NM_001354691.3, NM_001354692.3); c.1135A>T, p.Met379Leu (NM_001354693.3); c.1051A>T, p.Met351Leu (NM_001354694.3); c.892A>T, p.Met298Leu (NM_001354695.3); short protein forms M298L, M379L, M331L, M351L, M412L, M432L.
Identifiers: ClinVar variation 948379 (VCV000948379.9), dbSNP rs1231291103, ClinGen allele CA351502475.